The following is an entry in ClinVar:

ClinVar aggregate classification (germline): Likely benign. Review status: criteria provided, multiple submitters, no conflicts (2 of 4 stars). 4 submissions from 4 submitters: Likely benign (4). Last evaluated 2026-05-11.

Conditions:
CACNA1F-related disorder. Also called: CACNA1F-related condition.

Allele frequency attached by ClinVar (database versions not stated): gnomAD exomes 0.00012 and 0.00003; ExAC 0.00016; gnomAD 0.00026 and 0.00032; TOPMed 0.00031; ESP Exome Variant Server 0.00076.
gnomAD v4.1: 71 of 1,206,452 alleles (0.0059%); highest among the groups gnomAD compares: African/African-American, 0.096%; no homozygotes.

Submissions (4):

PreventionGenetics, part of Exact Sciences
Classification: Likely benign for CACNA1F-related condition. Last evaluated: 2026-05-11. Review status: criteria provided, single submitter. Criteria: ACMG Guidelines, 2015. Collection method: clinical testing. Allele origin: germline.
Comment: This variant is classified as likely benign based on ACMG/AMP sequence variant interpretation guidelines (Richards et al. 2015 PMID: 25741868, with internal and published modifications).

Labcorp Genetics (formerly Invitae), Labcorp
Classification: Likely benign. Last evaluated: 2025-12-15. Review status: criteria provided, single submitter. Criteria: Invitae Variant Classification Sherloc (09022015). Collection method: clinical testing. Allele origin: germline.

Blueprint Genetics
Classification: Likely benign. Last evaluated: 2022-05-25. Review status: criteria provided, single submitter. Criteria: ACMG Guidelines, 2015. Collection method: clinical testing. Allele origin: germline.

Breakthrough Genomics
Classification: Likely benign. Review status: criteria provided, single submitter. Criteria: ACMG Guidelines, 2015. Collection method: not provided. Allele origin: germline. Inheritance: X-linked inheritance. Affected: yes.

NM_001256789.3(CACNA1F):c.4527G>A (p.Thr1509=)

Genes: CACNA1F (calcium voltage-gated channel subunit alpha1 F; minus strand), LOC126863257 (BRD4-independent group 4 enhancer GRCh37_chrX:49065732-49066931; plus strand). Cytogenetic location: Xp11.23.
Variant type: single nucleotide variant.
Coding change: c.4527G>A on transcript NM_001256789.3 (MANE Select); coding-DNA position 4527, G replaced by A.
Protein change: p.Thr1509=; no amino-acid change (threonine 1509 retained).
Molecular consequence: synonymous variant.
Genome position (GRCh38, 1-based): chrX:49,210,362, C>T on the plus strand (G>A on the coding strand, the complement: CACNA1F is on the minus strand). VCF-style: chrX-49210362-C-T. GRCh37 (hg19) VCF-style: chrX-49066822-C-T.
Other names: c.4365G>A, p.Thr1455= (NM_001256790.3); c.4560G>A, p.Thr1520= (NM_005183.4).
Identifiers: ClinVar variation 788054 (VCV000788054.14), dbSNP rs143949477, ClinGen allele CA10410173.